The following is an entry in ClinVar:

ClinVar aggregate classification (germline): Likely benign (1 of 4 stars; one submission).

Allele frequency attached by ClinVar (database versions not stated): gnomAD 0.00001; TOPMed 0.00004.
gnomAD v4.1: 39 of 1,602,412 alleles (0.0024%); highest among the groups gnomAD compares: East Asian, 0.025%; no homozygotes.

Submission:

CeGaT Center for Human Genetics Tuebingen
Classification: Likely benign. Last evaluated: 2022-09-01. Review status: criteria provided, single submitter. Criteria: CeGaT Center For Human Genetics Tuebingen Variant Classification Criteria Version 2. Collection method: clinical testing. Allele origin: germline. Affected: yes. Observed: 1 variant allele.
Comment: ZFHX3: BP4, BP7

NM_006885.4(ZFHX3):c.1416G>A (p.Ala472=)

Gene: ZFHX3 (zinc finger homeobox 3; minus strand). Cytogenetic location: 16q22.3.
Variant type: single nucleotide variant.
Coding change: c.1416G>A on transcript NM_006885.4 (MANE Select); coding-DNA position 1416, G replaced by A.
Protein change: p.Ala472=; no amino-acid change (alanine 472 retained).
Molecular consequence: synonymous variant. On other transcripts: intron variant (1).
Genome position (GRCh38, 1-based): chr16:72,958,730, C>T on the plus strand (G>A on the coding strand, the complement: ZFHX3 is on the minus strand). VCF-style: chr16-72958730-C-T. GRCh37 (hg19) VCF-style: chr16-72992629-C-T.
Other names: c.1416G>A, p.Ala472= (NM_001386735.1); c.-23-7765G>A (NM_001164766.2).
Identifiers: ClinVar variation 2646846 (VCV002646846.24), dbSNP rs756105315, ClinGen allele CA8164734.
Genomic context (GRCh38, chr16:72,958,730, plus strand): 5'-TTTGCAACCCTCGTCTTCCTCCTCCTCTTCTTCCTCCTCCTCTTCTTCCTCCTCCTCCTC[C>T]GCCTCTTCCTCCTCCTCTTCCTCCTCCGCCTCCTCTTCGGCTGGCTCTACCTTCTCAGAG-3'
Protein context (NP_008816.3, residues 462-482): EAEEEEEEEE[Ala472=]EEEEEEEEEE